The following is an entry in ClinVar:

NM_014714.4(IFT140):c.1992_2005dup (p.Thr669fs)

Gene: IFT140 (intraflagellar transport 140; minus strand). Cytogenetic location: 16p13.3.
Variant type: Duplication.
Coding change: c.1992_2005dup on transcript NM_014714.4 (MANE Select); coding-DNA positions 1992 to 2005, 14 bases duplicated (AGCCGTGCAGGAGA).
Protein change: p.Thr669fs; shifts the reading frame from threonine 669.
Molecular consequence: frameshift variant.
Genome position (GRCh38, 1-based): chr16:1,564,059-1,564,072, TCTCCTGCACGGCT duplicated on the plus strand (AGCCGTGCAGGAGA on the coding strand, the reverse complement: IFT140 is on the minus strand); duplicating any 14 consecutive bases within chr16:1,564,059-1,564,074 gives the same sequence; the c. name uses the placement nearest the transcript's 3' end. VCF-style (leftmost placement, unchanged base first): chr16-1564058-G-GTCTCCTGCACGGCT. GRCh37 (hg19) VCF-style: chr16-1614059-G-GTCTCCTGCACGGCT.
Other names: c.1992_2005dup (NM_014714.3); short protein forms T669fs.
Identifiers: ClinVar variation 1375858 (VCV001375858.7), dbSNP rs2141541431, ClinGen allele CA2573151751.

ClinVar aggregate classification (germline): Pathogenic/Likely pathogenic. Review status: criteria provided, multiple submitters, no conflicts (2 of 4 stars). 2 submissions from 2 submitters: Pathogenic (1); Likely pathogenic (1). Last evaluated 2025-04-16.

Conditions:
Saldino-Mainzer syndrome (SRTD9). Also called: CONORENAL SYNDROME; short-rib thoracic dysplasia 9 with or without polydactyly; Renal dysplasia, retinal pigmentary dystrophy, cerebellar ataxia and skeletal dysplasia; SHORT-RIB THORACIC DYSPLASIA 9 WITHOUT POLYDACTYLY. Identifiers: Orphanet 140969, MedGen C1849437, MONDO:0009964, OMIM 266920.
Retinitis pigmentosa 80 (RP80). Identifiers: MedGen C4540439, MONDO:0054708, OMIM 617781.

Submissions (2):

Labcorp Genetics (formerly Invitae), Labcorp
Classification: Pathogenic for Saldino-Mainzer syndrome. Last evaluated: 2025-04-16. Review status: criteria provided, single submitter. Criteria: Invitae Variant Classification Sherloc (09022015). Collection method: clinical testing. Allele origin: germline.
Comment: This sequence change creates a premature translational stop signal (p.Thr669Lysfs*30) in the IFT140 gene. It is expected to result in an absent or disrupted protein product. Loss-of-function variants in IFT140 are known to be pathogenic (PMID: 22503633, 23418020, 24009529, 26216056). This variant is not present in population databases (gnomAD no frequency). This variant has not been reported in the literature in individuals affected with IFT140-related conditions. ClinVar contains an entry for this variant (Variation ID: 1375858). For these reasons, this variant has been classified as Pathogenic.

Clinical Genetics Service, Universitary Hospital 12 de Octubre
Classification: Likely pathogenic for Retinitis pigmentosa 80. Review status: criteria provided, single submitter. Criteria: ACMG Guidelines, 2015. Collection method: clinical testing. Allele origin: maternal. Affected: yes.

Literature cited by the submitters: PubMed 22503633 (cited by Labcorp Genetics (formerly Invitae), Labcorp); PubMed 23418020 (cited by Labcorp Genetics (formerly Invitae), Labcorp); PubMed 24009529 (cited by Labcorp Genetics (formerly Invitae), Labcorp); PubMed 26216056 (cited by Labcorp Genetics (formerly Invitae), Labcorp).